The following is an entry in ClinVar:

ClinVar aggregate classification (germline): Likely benign. Review status: criteria provided, multiple submitters, no conflicts (2 of 4 stars). 6 submissions from 6 submitters: Likely benign (6). Last evaluated 2025-09-21.

Conditions:
Cardiomyopathy (CMYO). Also called: Cardiomyopathies. Identifiers: Orphanet 167848, MedGen C0878544, MONDO:0004994, HP:0001638. Inheritance: Various modes of inheritance.
Catecholaminergic polymorphic ventricular tachycardia (CVPT). Also called: Catecholamine-induced polymorphic ventricular tachycardia. Identifiers: Orphanet 3286, MedGen C5574922, MONDO:0017990.
Cardiovascular phenotype. Identifiers: MedGen CN230736.
Catecholaminergic polymorphic ventricular tachycardia 1. Also called: VENTRICULAR TACHYCARDIA, STRESS-INDUCED POLYMORPHIC 1; RYR2-Related Catecholaminergic Polymorphic Ventricular Tachycardia; VENTRICULAR TACHYCARDIA, CATECHOLAMINERGIC POLYMORPHIC, 1, WITH OR WITHOUT ATRIAL DYSFUNCTION AND/OR DILATED CARDIOMYOPATHY. Identifiers: Orphanet 3286, MedGen C1631597, MONDO:0011484, OMIM 604772.

Allele frequency attached by ClinVar (database versions not stated): gnomAD 0.00003.
gnomAD v4.1: 18 of 1,613,418 alleles (0.0011%); highest among the groups gnomAD compares: Non-Finnish European, 0.00093%; no homozygotes.

Submissions (6):

Labcorp Genetics (formerly Invitae), Labcorp
Classification: Likely benign for Catecholaminergic polymorphic ventricular tachycardia 1. Last evaluated: 2025-09-21. Review status: criteria provided, single submitter. Criteria: Invitae Variant Classification Sherloc (09022015). Collection method: clinical testing. Allele origin: germline.

Molecular Diagnostic Laboratory for Inherited Cardiovascular Disease, Montreal Heart Institute
Classification: Likely benign. Last evaluated: 2025-04-09. Review status: criteria provided, single submitter. Criteria: ACMG Guidelines, 2015. Collection method: clinical testing. Allele origin: germline. Affected: no.

Blueprint Genetics
Classification: Likely benign. Last evaluated: 2024-05-02. Review status: criteria provided, single submitter. Criteria: ACMG Guidelines, 2015. Collection method: clinical testing. Allele origin: germline.

All of Us Research Program, National Institutes of Health
Classification: Likely benign for Catecholaminergic polymorphic ventricular tachycardia. Last evaluated: 2024-01-03. Review status: criteria provided, single submitter. Criteria: ACMG Guidelines, 2015. Collection method: clinical testing. Allele origin: germline. Inheritance: Autosomal dominant inheritance. Observed: 4 variant alleles, 4 heterozygotes.
Comment: This study involves interpretation of variants in research participants for the purpose of population health screening. Participant phenotype was not available at the time of variant classification. Additional details can be found in publication PMID: 35346344, PMCID: PMC8962531

Color Diagnostics, LLC DBA Color Health
Classification: Likely benign for Cardiomyopathy. Last evaluated: 2019-02-08. Review status: criteria provided, single submitter. Criteria: ACMG Guidelines, 2015. Collection method: clinical testing. Allele origin: germline.

Ambry Genetics
Classification: Likely benign for Cardiovascular phenotype. Last evaluated: 2017-06-05. Review status: criteria provided, single submitter. Criteria: Ambry Variant Classification Scheme 2023. Collection method: clinical testing. Allele origin: germline.

NM_001035.3(RYR2):c.11208G>C (p.Ala3736=)

Gene: RYR2 (ryanodine receptor 2; plus strand). Cytogenetic location: 1q43.
Variant type: single nucleotide variant.
Coding change: c.11208G>C on transcript NM_001035.3 (MANE Select); coding-DNA position 11208, G replaced by C.
Protein change: p.Ala3736=; no amino-acid change (alanine 3736 retained).
Molecular consequence: synonymous variant.
Genome position (GRCh38, 1-based): chr1:237,756,350, G>C. VCF-style: chr1-237756350-G-C. GRCh37 (hg19) VCF-style: chr1-237919650-G-C.
Other names: c.11208G>C, p.Ala3736= (LRG_402t1).
Identifiers: ClinVar variation 519461 (VCV000519461.22), dbSNP rs750384592, ClinGen allele CA084822.